The following is an entry in ClinVar:

ClinVar aggregate classification (germline): Uncertain significance (1 of 4 stars; one submission).

Conditions:
Monogenic hearing loss.

Submission:

Genetics Laboratory, Great Ormond Street Hospital NHS Foundation Trust, North Thames Genomic Laboratory Hub
Classification: Uncertain significance for Monogenic hearing loss. Last evaluated: 2025-11-14. Review status: criteria provided, single submitter. Criteria: ACGS Best Practice Guidelines for Variant Classification in Rare Disease 2024 v1.2. Collection method: clinical testing. Allele origin: germline. Affected: yes.
Comment: PM2_moderate, PP3_supporting, PM3_moderate

NM_016366.3(CABP2):c.244G>C (p.Glu82Gln)

Gene: CABP2 (calcium binding protein 2; minus strand). Cytogenetic location: 11q13.2.
Variant type: single nucleotide variant.
Coding change: c.244G>C on transcript NM_016366.3 (MANE Select); coding-DNA position 244, G replaced by C.
Protein change: p.Glu82Gln; replaces glutamic acid 82 with glutamine.
Molecular consequence: missense variant.
Genome position (GRCh38, 1-based): chr11:67,521,952, C>G on the plus strand (G>C on the coding strand, the complement: CABP2 is on the minus strand). VCF-style: chr11-67521952-C-G. GRCh37 (hg19) VCF-style: chr11-67289423-C-G.
Other names: c.262G>C, p.Glu88Gln (NM_001318496.2); short protein forms E82Q, E88Q.
Identifiers: ClinVar variation 4684996 (VCV004684996.1).
Genomic context (GRCh38, chr11:67,521,952, plus strand): 5'-ACCCCATGCCCCCCATGCCACCTCCCCTTCAGGGAACCAGTTCCTTCTCCAACCCTTTAC[C>G]TTCAATCTCCTCGGGCCGCAGCTCCCGGTCCTGAAGGGCACAGAGGGGTTAGGAATTCCC-3'
Protein context (NP_057450.2, residues 72-92): DRELRPEEIE[Glu82Gln]LQVAFQEFDR